The following is an entry in ClinVar:

ClinVar aggregate classification (germline): Conflicting classifications of pathogenicity. Review status: criteria provided, conflicting classifications (1 of 4 stars). 3 submissions from 3 submitters: Uncertain significance (2); Likely benign (1). Last evaluated 2025-10-10.

Conditions:
Generalized epilepsy-paroxysmal dyskinesia syndrome (PNKD3). Also called: Generalized epilepsy and paroxysmal dyskinesia; Paroxysmal nonkinesigenic dyskinesia, 3, with or without generalized epilepsy. Identifiers: Orphanet 79137, MedGen C5574945, MONDO:0012276, OMIM 609446.
Epilepsy, idiopathic generalized, susceptibility to, 16. Identifiers: MedGen C5231421, MONDO:0032827, OMIM 618596.

Submissions (3):

Labcorp Genetics (formerly Invitae), Labcorp
Classification: Uncertain significance for Generalized epilepsy-paroxysmal dyskinesia syndrome. Last evaluated: 2025-10-10. Review status: criteria provided, single submitter. Criteria: Invitae Variant Classification Sherloc (09022015). Collection method: clinical testing. Allele origin: germline.
Comment: This variant, c.51_56dup, results in the insertion of 2 amino acid(s) of the KCNMA1 protein (p.Gly19_Gly20dup), but otherwise preserves the integrity of the reading frame. The frequency data for this variant in the population databases is considered unreliable, as metrics indicate poor data quality at this position in the gnomAD database. This variant has not been reported in the literature in individuals affected with KCNMA1-related conditions. ClinVar contains an entry for this variant (Variation ID: 638907). Experimental studies and prediction algorithms are not available or were not evaluated, and the functional significance of this variant is currently unknown. In summary, the available evidence is currently insufficient to determine the role of this variant in disease. Therefore, it has been classified as a Variant of Uncertain Significance.

Blueprint Genetics
Classification: Likely benign. Last evaluated: 2024-09-13. Review status: criteria provided, single submitter. Criteria: ACMG Guidelines, 2015. Collection method: clinical testing. Allele origin: germline.

GeneDx
Classification: Uncertain significance. Last evaluated: 2023-07-12. Review status: criteria provided, single submitter. Criteria: GeneDx Variant Classification Process June 2021. Collection method: clinical testing. Allele origin: germline. Affected: yes.
Comment: In-frame duplication of 2 amino acids in a repetitive region with no known function; Has not been previously published as pathogenic or benign to our knowledge

NM_001161352.2(KCNMA1):c.36CGG[9] (p.Gly19_Gly20dup)

Gene: KCNMA1 (potassium calcium-activated channel subfamily M alpha 1; minus strand). Cytogenetic location: 10q22.3.
Variant type: Microsatellite.
Coding change: c.36CGG[9] on transcript NM_001161352.2 (MANE Select); nine copies in a row of the 3-base unit CGG starting at c.36; the reference has seven copies in a row; two copies, 6 bases duplicated.
Protein change: p.Gly19_Gly20dup.
Molecular consequence: inframe insertion.
Genome position (GRCh38, 1-based): chr10:77,637,587-77,637,592, CCGCCG duplicated on the plus strand (CGGCGG on the coding strand, the reverse complement: KCNMA1 is on the minus strand); duplicating any 6 consecutive bases within chr10:77,637,587-77,637,608 gives the same sequence; the position shown is the placement nearest the transcript's 3' end. VCF-style (leftmost placement, unchanged base first): chr10-77637586-T-TCCGCCG. GRCh37 (hg19) VCF-style: chr10-79397344-T-TCCGCCG.
Other names: c.36CGG[9], p.Gly19_Gly20dup (NM_001322836.2, NM_001322837.2, NM_001322839.2 and 12 more transcripts); c.51_56dup (NM_002247.3).
Identifiers: ClinVar variation 638907 (VCV000638907.13), dbSNP rs760628050, ClinGen allele CA5568817.
Genomic context (GRCh38, chr10:77,637,586, plus strand): 5'-GGACGCGTCTAGGCTGAGATGGTTCGCGTGGATATTGCTACTCATTCTAAGACTGCTGCC[T>TCCGCCG]CCGCCGCCGCCGCCGCCGCCGCTGCTGCCGCCGCCGCCGCCGCCACCATTTGCCATAGCT-3'